The following is an entry in ClinVar:

ClinVar aggregate classification (germline): Uncertain significance (1 of 4 stars; one submission).

Allele frequency attached by ClinVar (database versions not stated): gnomAD exomes 0.00001 and 0.00003; ExAC 0.00005; ESP Exome Variant Server 0.00016; gnomAD 0.00023 and 0.00024; TOPMed 0.00023; 1000 Genomes Project 30x 0.00031; 1000 Genomes Project 0.00040.

Submission:

Labcorp Genetics (formerly Invitae), Labcorp
Classification: Uncertain significance. Last evaluated: 2025-06-12. Review status: criteria provided, single submitter. Criteria: Invitae Variant Classification Sherloc (09022015). Collection method: clinical testing. Allele origin: germline.
Comment: This sequence change falls in intron 4 of the MATN3 gene. It does not directly change the encoded amino acid sequence of the MATN3 protein. It affects a nucleotide within the consensus splice site. This variant is present in population databases (rs142441838, gnomAD 0.05%). This variant has not been reported in the literature in individuals affected with MATN3-related conditions. ClinVar contains an entry for this variant (Variation ID: 1424250). Variants that disrupt the consensus splice site are a relatively common cause of aberrant splicing (PMID: 17576681, 9536098). Algorithms developed to predict the effect of sequence changes on RNA splicing suggest that this variant is not likely to affect RNA splicing. In summary, the available evidence is currently insufficient to determine the role of this variant in disease. Therefore, it has been classified as a Variant of Uncertain Significance.

Literature cited by the submitters: PubMed 17576681; PubMed 9536098.

NM_002381.5(MATN3):c.1042+6T>C

Genes: MATN3 (matrilin 3; minus strand), WDR35-DT (WDR35 divergent transcript; plus strand). Cytogenetic location: 2p24.1.
Variant type: single nucleotide variant.
Coding change: c.1042+6T>C on transcript NM_002381.5 (MANE Select); 6 bases into the intron after coding-DNA position 1042, T replaced by C.
Molecular consequence: intron variant.
Genome position (GRCh38, 1-based): chr2:20,001,949, A>G on the plus strand (T>C on the coding strand, the complement: MATN3 is on the minus strand). VCF-style: chr2-20001949-A-G. GRCh37 (hg19) VCF-style: chr2-20201710-A-G.
Identifiers: ClinVar variation 1424250 (VCV001424250.6), dbSNP rs142441838, ClinGen allele CA1543825.